The following is an entry in ClinVar:

NM_001009944.3(PKD1):c.2578C>T (p.Arg860Cys)

Gene: PKD1 (polycystin 1, transient receptor potential channel interacting; minus strand). Cytogenetic location: 16p13.3.
Variant type: single nucleotide variant.
Coding change: c.2578C>T on transcript NM_001009944.3 (MANE Select); coding-DNA position 2578, C replaced by T.
Protein change: p.Arg860Cys; replaces arginine 860 with cysteine.
Molecular consequence: missense variant.
Genome position (GRCh38, 1-based): chr16:2,114,445, G>A on the plus strand (C>T on the coding strand, the complement: PKD1 is on the minus strand). VCF-style: chr16-2114445-G-A. GRCh37 (hg19) VCF-style: chr16-2164446-G-A.
Other names: c.2578C>T, p.Arg860Cys (NM_000296.4); short protein forms R860C.
Identifiers: ClinVar variation 4978545 (VCV004978545.1).
Genomic context (GRCh38, chr16:2,114,445, plus strand): 5'-TGGCCACCAGGGCAGGGCAGACATTCTCAAAGCGGGCGCTGACACTGCCCCCAGGCCAGC[G>A]AGCCGTGGCCGTGGCGTTGGCACCAGAGTCCACCTGGAGCACCAAGGCTGAGCCGTTGGT-3'
Protein context (NP_001009944.3, residues 850-870): DSGANATATA[Arg860Cys]WPGGSVSARF

ClinVar aggregate classification (germline): Uncertain significance (1 of 4 stars; one submission).

Conditions:
PKD1-related disorder. Also called: PKD1-related condition.

gnomAD v4.1: 6 of 1,599,394 alleles (0.00038%); highest among the groups gnomAD compares: East Asian, 0.0022%; no homozygotes.

Submission:

PreventionGenetics, part of Exact Sciences
Classification: Uncertain significance for PKD1-related condition. Last evaluated: 2026-09-15. Review status: criteria provided, single submitter. Criteria: ACMG Guidelines, 2015. Collection method: clinical testing. Allele origin: germline.
Comment: The PKD1 c.2578C>T variant is predicted to result in the amino acid substitution p.Arg860Cys. To our knowledge, this variant has not been reported in the literature. This variant is reported in 0.0033% of alleles in individuals of South Asian descent in gnomAD. At this time, the clinical significance of this variant is uncertain due to the absence of conclusive functional and genetic evidence.